The following is an entry in ClinVar:

NM_017852.5(NLRP2):c.2324G>A (p.Cys775Tyr)

Gene: NLRP2 (NLR family pyrin domain containing 2; plus strand). Cytogenetic location: 19q13.42.
Variant type: single nucleotide variant.
Coding change: c.2324G>A on transcript NM_017852.5 (MANE Select); coding-DNA position 2324, G replaced by A.
Protein change: p.Cys775Tyr; replaces cysteine 775 with tyrosine.
Molecular consequence: missense variant. On other transcripts: non-coding transcript variant (1).
Genome position (GRCh38, 1-based): chr19:54,986,273, G>A. VCF-style: chr19-54986273-G-A. GRCh37 (hg19) VCF-style: chr19-55497641-G-A.
Other names: c.2324G>A, p.Cys775Tyr (NM_001174081.3); c.2258G>A, p.Cys753Tyr (NM_001174082.3); c.2255G>A, p.Cys752Tyr (NM_001174083.2); c.2315G>A, p.Cys772Tyr (NM_001348003.2); short protein forms C752Y, C753Y, C772Y, C775Y.
Identifiers: ClinVar variation 4076686 (VCV004076686.1).
Genomic context (GRCh38, chr19:54,986,273, plus strand): 5'-AGACTGTAACGTATCTGACCCTTCAAGGCAATGACCAGGATGATATGTTTCCCGCATTGT[G>A]TGAGGTCTTGAGACATCCAGAATGTAACCTGCGATATCTCGGGTATATCTCTTAATCATT-3'
Protein context (NP_060322.1, residues 765-785): NDQDDMFPAL[Cys775Tyr]EVLRHPECNL

ClinVar aggregate classification (germline): Uncertain significance (1 of 4 stars; one submission).

Submission:

GeneDx
Classification: Uncertain significance. Last evaluated: 2025-02-19. Review status: criteria provided, single submitter. Criteria: GeneDx Variant Classification Process June 2021. Collection method: clinical testing. Allele origin: germline. Affected: yes.
Comment: Not observed at significant frequency in large population cohorts (gnomAD); In silico analysis supports that this missense variant has a deleterious effect on protein structure/function; Has not been previously published as pathogenic or benign to our knowledge